The following is an entry in ClinVar:

ClinVar aggregate classification (germline): Uncertain significance (1 of 4 stars; one submission).

Submission:

Labcorp Genetics (formerly Invitae), Labcorp
Classification: Uncertain significance. Last evaluated: 2023-02-19. Review status: criteria provided, single submitter. Criteria: Invitae Variant Classification Sherloc (09022015). Collection method: clinical testing. Allele origin: germline.
Comment: In summary, the available evidence is currently insufficient to determine the role of this variant in disease. Therefore, it has been classified as a Variant of Uncertain Significance. This sequence change replaces aspartic acid, which is acidic and polar, with histidine, which is basic and polar, at codon 301 of the AFG3L2 protein (p.Asp301His). This variant is not present in population databases (gnomAD no frequency). This variant has not been reported in the literature in individuals affected with AFG3L2-related conditions. Advanced modeling of protein sequence and biophysical properties (such as structural, functional, and spatial information, amino acid conservation, physicochemical variation, residue mobility, and thermodynamic stability) performed at Invitae indicates that this missense variant is not expected to disrupt AFG3L2 protein function.

NM_006796.3(AFG3L2):c.901G>C (p.Asp301His)

Gene: AFG3L2 (AFG3 like matrix AAA peptidase subunit 2; minus strand). Cytogenetic location: 18p11.21.
Variant type: single nucleotide variant.
Coding change: c.901G>C on transcript NM_006796.3 (MANE Select); coding-DNA position 901, G replaced by C.
Protein change: p.Asp301His; replaces aspartic acid 301 with histidine.
Molecular consequence: missense variant.
Genome position (GRCh38, 1-based): chr18:12,358,795, C>G on the plus strand (G>C on the coding strand, the complement: AFG3L2 is on the minus strand). VCF-style: chr18-12358795-C-G. GRCh37 (hg19) VCF-style: chr18-12358794-C-G.
Other names: short protein forms D301H.
Identifiers: ClinVar variation 2838999 (VCV002838999.3), dbSNP rs2510230337, ClinGen allele CA401953656.
Genomic context (GRCh38, chr18:12,358,795, plus strand): 5'-TGATCTCTAGCTTGGCCTCCTCACAGCCAGCCACATCTTTGAACTTCACATCAATTTCAT[C>G]CTTTAAGACCTTGGCAGTGGTTTCTCCGACACTGAAGAGTCCGCCCATCCCTCGGCCTGT-3'
Protein context (NP_006787.2, residues 291-311): VGETTAKVLK[Asp301His]EIDVKFKDVA